The following is an entry in ClinVar:

ClinVar aggregate classification (germline): Uncertain significance (1 of 4 stars; one submission).

Allele frequency attached by ClinVar (database versions not stated): TOPMed below 0.00001.

Submission:

Labcorp Genetics (formerly Invitae), Labcorp
Classification: Uncertain significance. Last evaluated: 2022-07-25. Review status: criteria provided, single submitter. Criteria: Invitae Variant Classification Sherloc (09022015). Collection method: clinical testing. Allele origin: germline.
Comment: This sequence change replaces alanine, which is neutral and non-polar, with threonine, which is neutral and polar, at codon 118 of the LRIT3 protein (p.Ala118Thr). In summary, the available evidence is currently insufficient to determine the role of this variant in disease. Therefore, it has been classified as a Variant of Uncertain Significance. Algorithms developed to predict the effect of missense changes on protein structure and function output the following: SIFT: "Tolerated"; PolyPhen-2: "Benign"; Align-GVGD: "Class C0". The threonine amino acid residue is found in multiple mammalian species, which suggests that this missense change does not adversely affect protein function. ClinVar contains an entry for this variant (Variation ID: 1026911). This variant has not been reported in the literature in individuals affected with LRIT3-related conditions. This variant is not present in population databases (gnomAD no frequency).

NM_198506.5(LRIT3):c.352G>A (p.Ala118Thr)

Gene: LRIT3 (leucine rich repeat, Ig-like and transmembrane domains 3; plus strand). Cytogenetic location: 4q25.
Variant type: single nucleotide variant.
Coding change: c.352G>A on transcript NM_198506.5 (MANE Select); coding-DNA position 352, G replaced by A.
Protein change: p.Ala118Thr; replaces alanine 118 with threonine.
Molecular consequence: missense variant.
Genome position (GRCh38, 1-based): chr4:109,851,739, G>A. VCF-style: chr4-109851739-G-A. GRCh37 (hg19) VCF-style: chr4-110772895-G-A.
Other names: short protein forms A118T.
Identifiers: ClinVar variation 1026911 (VCV001026911.3), dbSNP rs1464827352, ClinGen allele CA357871707.